The following is an entry in ClinVar:

ClinVar aggregate classification (germline): Uncertain significance. Review status: criteria provided, single submitter (1 of 4 stars). 2 submissions from 2 submitters: Uncertain significance (1). 1 of the submissions does not count toward it. Last evaluated 2022-02-23.

Conditions:
TUB-related disorder. Also called: TUB-related condition.

gnomAD v4.1: 37 of 1,612,918 alleles (0.0023%); highest among the groups gnomAD compares: Non-Finnish European, 0.0031%; no homozygotes.

Submissions (2):

Labcorp Genetics (formerly Invitae), Labcorp
Classification: Uncertain significance. Last evaluated: 2022-02-23. Review status: criteria provided, single submitter. Criteria: Invitae Variant Classification Sherloc (09022015). Collection method: clinical testing. Allele origin: germline.
Comment: In summary, the available evidence is currently insufficient to determine the role of this variant in disease. Therefore, it has been classified as a Variant of Uncertain Significance. This sequence change replaces phenylalanine, which is neutral and non-polar, with leucine, which is neutral and non-polar, at codon 352 of the TUB protein (p.Phe352Leu). This variant is not present in population databases (gnomAD no frequency). This variant has not been reported in the literature in individuals affected with TUB-related conditions. Algorithms developed to predict the effect of missense changes on protein structure and function are either unavailable or do not agree on the potential impact of this missense change (SIFT: "Tolerated"; PolyPhen-2: "Possibly Damaging"; Align-GVGD: "Class C0").

PreventionGenetics, part of Exact Sciences
Classification: Uncertain significance for TUB-related condition. Last evaluated: 2024-09-01. Review status: no assertion criteria provided. Collection method: clinical testing. Allele origin: germline. Not counted in ClinVar's aggregate classification.
Comment: The TUB c.1054T>C variant is predicted to result in the amino acid substitution p.Phe352Leu. To our knowledge, this variant has not been reported in the literature or in a large population database, indicating this variant is rare. At this time, the clinical significance of this variant is uncertain due to the absence of conclusive functional and genetic evidence.

NM_177972.3(TUB):c.889T>C (p.Phe297Leu)

Genes: RIC3 (RIC3 acetylcholine receptor chaperone; minus strand), TUB (TUB bipartite transcription factor; plus strand). Cytogenetic location: 11p15.4.
Variant type: single nucleotide variant.
Coding change: c.889T>C on transcript NM_177972.3 (MANE Select); coding-DNA position 889, T replaced by C.
Protein change: p.Phe297Leu; replaces phenylalanine 297 with leucine.
Molecular consequence: missense variant.
Genome position (GRCh38, 1-based): chr11:8,097,717, T>C. VCF-style: chr11-8097717-T-C. GRCh37 (hg19) VCF-style: chr11-8119264-T-C.
Other names: c.1054T>C (NM_003320.4); c.1054T>C, p.Phe352Leu (NM_003320.5); short protein forms F297L, F352L.
Identifiers: ClinVar variation 1404418 (VCV001404418.9), dbSNP rs931275747, ClinGen allele CA217422876.
Genomic context (GRCh38, chr11:8,097,717, plus strand): 5'-TGACTGTGTGCAGACCAGAGGCTGAGTCTGGAATATGACCTCATTCCACTCCCCAAGGTG[T>C]TCCTCCTGGCGGGAAGGAAGAGAAAGAAGAGTAAAACTTCCAATTACCTCATCTCTGTGG-3'
Protein context (NP_813977.1, residues 287-307): HLDREDGKKV[Phe297Leu]LLAGRKRKKS